The following is an entry in ClinVar:

NM_001260.3(CDK8):c.100C>G (p.His34Asp)

Gene: CDK8 (cyclin dependent kinase 8; plus strand). Cytogenetic location: 13q12.13.
Variant type: single nucleotide variant.
Coding change: c.100C>G on transcript NM_001260.3 (MANE Select); coding-DNA position 100, C replaced by G.
Protein change: p.His34Asp; replaces histidine 34 with aspartic acid.
Molecular consequence: missense variant. On other transcripts: 5 prime UTR variant (1).
Genome position (GRCh38, 1-based): chr13:26,254,741, C>G. VCF-style: chr13-26254741-C-G. GRCh37 (hg19) VCF-style: chr13-26828878-C-G.
Other names: c.100C>G, p.His34Asp (NM_001318368.2); c.-362C>G (NM_001346501.2); short protein forms H34D.
Identifiers: ClinVar variation 3364634 (VCV003364634.1).

ClinVar aggregate classification (germline): Uncertain significance (1 of 4 stars; one submission).

Submission:

GeneDx
Classification: Uncertain significance. Last evaluated: 2023-11-28. Review status: criteria provided, single submitter. Criteria: GeneDx Variant Classification Process June 2021. Collection method: clinical testing. Allele origin: germline. Affected: yes.
Comment: Not observed at significant frequency in large population cohorts (gnomAD); In silico analysis supports that this missense variant has a deleterious effect on protein structure/function; Has not been previously published as pathogenic or benign to our knowledge